The following is an entry in ClinVar:

NM_001372106.1(DNAH10):c.9602A>G (p.Glu3201Gly)

Gene: DNAH10 (dynein axonemal heavy chain 10; plus strand). Cytogenetic location: 12q24.31.
Variant type: single nucleotide variant.
Coding change: c.9602A>G on transcript NM_001372106.1 (MANE Select); coding-DNA position 9602, A replaced by G.
Protein change: p.Glu3201Gly; replaces glutamic acid 3201 with glycine.
Molecular consequence: missense variant.
Genome position (GRCh38, 1-based): chr12:123,898,776, A>G. VCF-style: chr12-123898776-A-G. GRCh37 (hg19) VCF-style: chr12-124383323-A-G.
Other names: c.9248A>G, p.Glu3083Gly (NM_207437.3); short protein forms E3083G, E3201G.
Identifiers: ClinVar variation 3388615 (VCV003388615.14).

ClinVar aggregate classification (germline): Uncertain significance (1 of 4 stars; one submission).

gnomAD v4.1: 158 of 1,612,388 alleles (0.0098%); highest among the groups gnomAD compares: Non-Finnish European, 0.011%; no homozygotes.

Submission:

CeGaT Center for Human Genetics Tuebingen
Classification: Uncertain significance. Last evaluated: 2024-10-01. Review status: criteria provided, single submitter. Criteria: CeGaT Center For Human Genetics Tuebingen Variant Classification Criteria Version 2. Collection method: clinical testing. Allele origin: germline. Affected: yes. Observed: 1 variant allele.
Comment: DNAH10: PM2